The following is an entry in ClinVar:

NM_000053.4(ATP7B):c.3291G>A (p.Val1097=)

Gene: ATP7B (ATPase copper transporting beta; minus strand). Cytogenetic location: 13q14.3.
Variant type: single nucleotide variant.
Coding change: c.3291G>A on transcript NM_000053.4 (MANE Select); coding-DNA position 3291, G replaced by A.
Protein change: p.Val1097=; no amino-acid change (valine 1097 retained).
Molecular consequence: synonymous variant.
Genome position (GRCh38, 1-based): chr13:51,942,507, C>T on the plus strand (G>A on the coding strand, the complement: ATP7B is on the minus strand). VCF-style: chr13-51942507-C-T. GRCh37 (hg19) VCF-style: chr13-52516643-C-T.
Other names: c.3291G>A (NM_000053.3); c.2670G>A, p.Val890= (NM_001005918.3); c.2958G>A, p.Val986= (NM_001243182.2); c.3057G>A, p.Val1019= (NM_001330578.2); c.3039G>A, p.Val1013= (NM_001330579.2).
Identifiers: ClinVar variation 1101757 (VCV001101757.15), dbSNP rs766632973, ClinGen allele CA6988745.

ClinVar aggregate classification (germline): Likely benign. Review status: criteria provided, multiple submitters, no conflicts (2 of 4 stars). 4 submissions from 4 submitters: Likely benign (3). 1 of the submissions does not count toward it. Last evaluated 2026-01-11.

Conditions:
Wilson disease (WND). Also called: Wilson's disease. Identifiers: Orphanet 905, MedGen C0019202, MONDO:0010200, OMIM 277900. Disease mechanism: loss of function.
ATP7B-related disorder. Also called: ATP7B-related condition.

Allele frequency attached by ClinVar (database versions not stated): gnomAD 0.00001; gnomAD exomes 0.00001 and 0.00002; TOPMed 0.00002; ExAC 0.00003.
gnomAD v4.1: 22 of 1,614,074 alleles (0.0014%); highest among the groups gnomAD compares: Non-Finnish European, 0.0016%; 1 homozygote.

Submissions (4):

Labcorp Genetics (formerly Invitae), Labcorp
Classification: Likely benign for Wilson disease. Last evaluated: 2026-01-11. Review status: criteria provided, single submitter. Criteria: Invitae Variant Classification Sherloc (09022015). Collection method: clinical testing. Allele origin: germline.

PreventionGenetics, part of Exact Sciences
Classification: Likely benign for ATP7B-related condition. Last evaluated: 2024-12-04. Review status: criteria provided, single submitter. Criteria: ACMG Guidelines, 2015. Collection method: clinical testing. Allele origin: germline.
Comment: This variant is classified as likely benign based on ACMG/AMP sequence variant interpretation guidelines (Richards et al. 2015 PMID: 25741868, with internal and published modifications).

All of Us Research Program, National Institutes of Health
Classification: Likely benign for Wilson disease. Last evaluated: 2023-12-13. Review status: criteria provided, single submitter. Criteria: ACMG Guidelines, 2015. Collection method: clinical testing. Allele origin: germline. Inheritance: Autosomal recessive inheritance. Observed: 5 variant alleles, 5 heterozygotes.
Comment: This study involves interpretation of variants in research participants for the purpose of population health screening. Participant phenotype was not available at the time of variant classification. Additional details can be found in publication PMID: 35346344, PMCID: PMC8962531

Natera, Inc.
Classification: Likely benign for Wilson disease. Last evaluated: 2020-06-30. Review status: no assertion criteria provided. Collection method: clinical testing. Allele origin: germline. Not counted in ClinVar's aggregate classification.